The following is an entry in ClinVar:

ClinVar aggregate classification (germline): Uncertain significance (1 of 4 stars; one submission).

Conditions:
Developmental and epileptic encephalopathy, 21 (DEE21). Also called: Early infantile epileptic encephalopathy 21. Identifiers: Orphanet 442835, MedGen C4014430, MONDO:0014360, OMIM 615833.

Submission:

Labcorp Genetics (formerly Invitae), Labcorp
Classification: Uncertain significance for Developmental and epileptic encephalopathy, 21. Last evaluated: 2021-08-04. Review status: criteria provided, single submitter. Criteria: Invitae Variant Classification Sherloc (09022015). Collection method: clinical testing. Allele origin: germline.
Comment: Algorithms developed to predict the effect of missense changes on protein structure and function are either unavailable or do not agree on the potential impact of this missense change (SIFT: "Not Available"; PolyPhen-2: "Possibly Damaging"; Align-GVGD: "Not Available"). In summary, the available evidence is currently insufficient to determine the role of this variant in disease. Therefore, it has been classified as a Variant of Uncertain Significance. This variant has not been reported in the literature in individuals affected with NECAP1-related conditions. This variant is not present in population databases (ExAC no frequency). This sequence change replaces threonine with asparagine at codon 44 of the NECAP1 protein (p.Thr44Asn). The threonine residue is highly conserved and there is a small physicochemical difference between threonine and asparagine.

NM_015509.4(NECAP1):c.131C>A (p.Thr44Asn)

Gene: NECAP1 (NECAP endocytosis associated 1; plus strand). Cytogenetic location: 12p13.31.
Variant type: single nucleotide variant.
Coding change: c.131C>A on transcript NM_015509.4 (MANE Select); coding-DNA position 131, C replaced by A.
Protein change: p.Thr44Asn; replaces threonine 44 with asparagine.
Molecular consequence: missense variant. On other transcripts: non-coding transcript variant (1).
Genome position (GRCh38, 1-based): chr12:8,089,971, C>A. VCF-style: chr12-8089971-C-A. GRCh37 (hg19) VCF-style: chr12-8242567-C-A.
Other names: short protein forms T44N.
Identifiers: ClinVar variation 1372367 (VCV001372367.6), dbSNP rs2120475973, ClinGen allele CA383796798.